The following is an entry in ClinVar:

NM_018480.7(TMEM126B):c.235G>C (p.Gly79Arg)

Gene: TMEM126B (transmembrane protein 126B; plus strand). Cytogenetic location: 11q14.1.
Variant type: single nucleotide variant.
Coding change: c.235G>C on transcript NM_018480.7 (MANE Select); coding-DNA position 235, G replaced by C.
Protein change: p.Gly79Arg; replaces glycine 79 with arginine.
Molecular consequence: missense variant. On other transcripts: non-coding transcript variant (2).
Genome position (GRCh38, 1-based): chr11:85,634,117, G>C. VCF-style: chr11-85634117-G-C. GRCh37 (hg19) VCF-style: chr11-85345161-G-C.
Other names: c.175G>C, p.Gly59Arg (NM_001193537.3, NM_001350395.2); c.145G>C, p.Gly49Arg (NM_001193538.3, NM_001256546.2, NM_001350396.2); c.97G>C, p.Gly33Arg (NM_001256547.2); c.113G>C, p.Trp38Ser (NM_001350393.1); c.235G>C, p.Gly79Arg (NM_001350394.2); short protein forms G59R, G49R, W38S, G33R, G79R.
Identifiers: ClinVar variation 3707322 (VCV003707322.2).

ClinVar aggregate classification (germline): Uncertain significance (1 of 4 stars; one submission).

gnomAD v4.1: 4 of 1,613,034 alleles (0.00025%); highest among the groups gnomAD compares: Non-Finnish European, 0.00034%; no homozygotes.

Submission:

Labcorp Genetics (formerly Invitae), Labcorp
Classification: Uncertain significance. Last evaluated: 2024-03-27. Review status: criteria provided, single submitter. Criteria: Invitae Variant Classification Sherloc (09022015). Collection method: clinical testing. Allele origin: germline.
Comment: This sequence change replaces glycine, which is neutral and non-polar, with arginine, which is basic and polar, at codon 79 of the TMEM126B protein (p.Gly79Arg). This variant is present in population databases (rs370408353, gnomAD 0.003%). This variant has not been reported in the literature in individuals affected with TMEM126B-related conditions. An algorithm developed to predict the effect of missense changes on protein structure and function (PolyPhen-2) suggests that this variant is likely to be disruptive. In summary, the available evidence is currently insufficient to determine the role of this variant in disease. Therefore, it has been classified as a Variant of Uncertain Significance.